The following is an entry in ClinVar:

ClinVar aggregate classification (germline): Uncertain significance (1 of 4 stars; one submission).

gnomAD v4.1: 1 of 1,210,661 alleles (0.000083%); highest among the groups gnomAD compares: Non-Finnish European, 0.00011%; no homozygotes.

Submission:

Labcorp Genetics (formerly Invitae), Labcorp
Classification: Uncertain significance. Last evaluated: 2024-10-07. Review status: criteria provided, single submitter. Criteria: Invitae Variant Classification Sherloc (09022015). Collection method: clinical testing. Allele origin: germline.
Comment: This sequence change replaces isoleucine, which is neutral and non-polar, with valine, which is neutral and non-polar, at codon 233 of the CCNQ protein (p.Ile233Val). This variant is not present in population databases (gnomAD no frequency). This variant has not been reported in the literature in individuals affected with CCNQ-related conditions. Experimental studies and prediction algorithms are not available or were not evaluated, and the functional significance of this variant is currently unknown. In summary, the available evidence is currently insufficient to determine the role of this variant in disease. Therefore, it has been classified as a Variant of Uncertain Significance.

NM_152274.5(CCNQ):c.697A>G (p.Ile233Val)

Gene: CCNQ (cyclin Q; minus strand). Cytogenetic location: Xq28.
Variant type: single nucleotide variant.
Coding change: c.697A>G on transcript NM_152274.5 (MANE Select); coding-DNA position 697, A replaced by G.
Protein change: p.Ile233Val; replaces isoleucine 233 with valine.
Molecular consequence: missense variant. On other transcripts: intron variant (1).
Genome position (GRCh38, 1-based): chrX:153,588,415, T>C on the plus strand (A>G on the coding strand, the complement: CCNQ is on the minus strand). VCF-style: chrX-153588415-T-C. GRCh37 (hg19) VCF-style: chrX-152853873-T-C.
Other names: c.658-21A>G (NM_001130997.3); short protein forms I233V.
Identifiers: ClinVar variation 3722393 (VCV003722393.2).